The following is an entry in ClinVar:

ClinVar aggregate classification (germline): Pathogenic/Likely pathogenic. Review status: criteria provided, multiple submitters, no conflicts (2 of 4 stars). 2 submissions from 2 submitters: Pathogenic (1); Likely pathogenic (1). Last evaluated 2025-11-19.

Conditions:
MNX1-related disorder. Also called: MNX1-related condition.

Submissions (2):

Labcorp Genetics (formerly Invitae), Labcorp
Classification: Pathogenic. Last evaluated: 2025-11-19. Review status: criteria provided, single submitter. Criteria: Invitae Variant Classification Sherloc (09022015). Collection method: clinical testing. Allele origin: germline.
Comment: This sequence change creates a premature translational stop signal (p.Ala195Argfs*34) in the MNX1 gene. It is expected to result in an absent or disrupted protein product. Loss-of-function variants in MNX1 are known to be pathogenic (PMID: 10631160, 10749657, 16254195, 24095820). This variant is not present in population databases (gnomAD no frequency). This variant has not been reported in the literature in individuals affected with MNX1-related conditions. ClinVar contains an entry for this variant (Variation ID: 2630744). For these reasons, this variant has been classified as Pathogenic.

PreventionGenetics, part of Exact Sciences
Classification: Likely pathogenic for MNX1-related condition. Last evaluated: 2023-08-17. Review status: criteria provided, single submitter. Criteria: ACMG Guidelines, 2015. Collection method: clinical testing. Allele origin: germline.
Comment: The MNX1 c.573_582dup10 variant is predicted to result in a frameshift and premature protein termination (p.Ala195Argfs*34). To our knowledge, this variant has not been reported in the literature or in a large population database, indicating this variant is rare. Frameshift variants in MNX1 are expected to be pathogenic. This variant is interpreted as likely pathogenic.

Literature cited by the submitters: PubMed 10631160 (cited by Labcorp Genetics (formerly Invitae), Labcorp); PubMed 10749657 (cited by Labcorp Genetics (formerly Invitae), Labcorp); PubMed 16254195 (cited by Labcorp Genetics (formerly Invitae), Labcorp); PubMed 24095820 (cited by Labcorp Genetics (formerly Invitae), Labcorp).

NM_005515.4(MNX1):c.573_582dup (p.Ala195fs)

Gene: MNX1 (motor neuron and pancreas homeobox 1; minus strand). Cytogenetic location: 7q36.3.
Variant type: Duplication.
Coding change: c.573_582dup on transcript NM_005515.4 (MANE Select); coding-DNA positions 573 to 582, 10 bases duplicated (CGCGCACCCC; older notation c.573_582dupCGCGCACCCC).
Protein change: p.Ala195fs; shifts the reading frame from alanine 195.
Molecular consequence: frameshift variant.
Genome position (GRCh38, 1-based): chr7:157,009,769-157,009,778, GGGGTGCGCG duplicated on the plus strand (CGCGCACCCC on the coding strand, the reverse complement: MNX1 is on the minus strand). VCF-style (leftmost placement, unchanged base first): chr7-157009768-C-CGGGGTGCGCG. GRCh37 (hg19) VCF-style: chr7-156802462-C-CGGGGTGCGCG.
Other names: short protein forms A195fs.
Identifiers: ClinVar variation 2630744 (VCV002630744.2), dbSNP rs2537780127, ClinGen allele CA2695199652.
Genomic context (GRCh38, chr7:157,009,768, plus strand): 5'-GCAGCCACTGGTCCAGCTGGAAGGTGCCGGCGCCCAGCTTGATGGGGTCGGCGGGGTGCG[C>CGGGGTGCGCG]GGGGTGCGCGCCTTGCACCTGCGGGTACGAGTAGGAGAGCGCCGGGTGCTGGCCCGCCAG-3'